The following is an entry in ClinVar:

ClinVar aggregate classification (germline): Uncertain significance (1 of 4 stars; one submission).

Conditions:
PLXNA2-related disorder. Also called: PLXNA2-related condition.

gnomAD v4.1: 59 of 1,611,304 alleles (0.0037%); highest among the groups gnomAD compares: South Asian, 0.041%; 1 homozygote.

Submission:

PreventionGenetics, part of Exact Sciences
Classification: Uncertain significance for PLXNA2-related condition. Last evaluated: 2026-04-20. Review status: criteria provided, single submitter. Criteria: ACMG Guidelines, 2015. Collection method: clinical testing. Allele origin: germline.
Comment: The PLXNA2 c.26G>A variant is predicted to result in the amino acid substitution p.Arg9Gln. To our knowledge, this variant has not been reported in the literature. This variant is reported in 0.033% of alleles in individuals of South Asian descent in gnomAD. At this time, the clinical significance of this variant is uncertain due to the absence of conclusive functional and genetic evidence.

NM_025179.4(PLXNA2):c.26G>A (p.Arg9Gln)

Gene: PLXNA2 (plexin A2; minus strand). Cytogenetic location: 1q32.2.
Variant type: single nucleotide variant.
Coding change: c.26G>A on transcript NM_025179.4 (MANE Select); coding-DNA position 26, G replaced by A.
Protein change: p.Arg9Gln; replaces arginine 9 with glutamine.
Molecular consequence: missense variant.
Genome position (GRCh38, 1-based): chr1:208,217,897, C>T on the plus strand (G>A on the coding strand, the complement: PLXNA2 is on the minus strand). VCF-style: chr1-208217897-C-T. GRCh37 (hg19) VCF-style: chr1-208391242-C-T.
Other names: short protein forms R9Q.
Identifiers: ClinVar variation 4979640 (VCV004979640.1).